The following is an entry in ClinVar:

ClinVar aggregate classification (germline): Pathogenic. Review status: criteria provided, multiple submitters, no conflicts (2 of 4 stars). 3 submissions from 3 submitters: Pathogenic (3). Last evaluated 2025-09-10.

Conditions:
Gnathodiaphyseal dysplasia (GDD). Also called: GNATHODIAPHYSEAL SCLEROSIS; OSTEOGENESIS IMPERFECTA WITH UNUSUAL SKELETAL LESIONS. Identifiers: Orphanet 53697, MedGen C1833736, MONDO:0008151, OMIM 166260.
Autosomal recessive limb-girdle muscular dystrophy type 2L (LGMDR12). Also called: Limb-girdle muscular dystrophy, type 2L; Limb-Girdle Muscular Dystrophy R12 Anoctamin-5-Related (LGMD-R12); MUSCULAR DYSTROPHY, LIMB-GIRDLE, AUTOSOMAL RECESSIVE 12. Identifiers: Orphanet 206549, MedGen C1969785, MONDO:0012652, OMIM 611307.

Allele frequency attached by ClinVar (database versions not stated): gnomAD exomes 0.00001 and 0.00003; gnomAD 0.00002; TOPMed 0.00002; ExAC 0.00003.
gnomAD v4.1: 11 of 1,611,614 alleles (0.00068%); highest among the groups gnomAD compares: East Asian, 0.0067%; no homozygotes.

Submissions (3):

Genomic Medicine Center of Excellence, King Faisal Specialist Hospital and Research Centre
Classification: Pathogenic for Autosomal recessive limb-girdle muscular dystrophy type 2L. Last evaluated: 2025-09-10. Review status: criteria provided, single submitter. Criteria: ACMG Guidelines, 2015. Collection method: clinical testing. Allele origin: germline.

GeneDx
Classification: Pathogenic. Last evaluated: 2025-07-10. Review status: criteria provided, single submitter. Criteria: GeneDx Variant Classification Process June 2021. Collection method: clinical testing. Allele origin: germline. Affected: yes.
Comment: Nonsense variant predicted to result in protein truncation or nonsense mediated decay in a gene for which loss of function is a known mechanism of disease; This variant is associated with the following publications: (PMID: 26404900, 22742934, 34313030, 30235762, 32367299, 32528171)

Labcorp Genetics (formerly Invitae), Labcorp
Classification: Pathogenic for Autosomal recessive limb-girdle muscular dystrophy type 2L; Gnathodiaphyseal dysplasia. Last evaluated: 2018-05-15. Review status: criteria provided, single submitter. Criteria: Invitae Variant Classification Sherloc (09022015). Collection method: clinical testing. Allele origin: germline.
Comment: This sequence change creates a premature translational stop signal (p.Arg74*) in the ANO5 gene. It is expected to result in an absent or disrupted protein product. For these reasons, this variant has been classified as Pathogenic. Loss-of-function variants in ANO5 are known to be pathogenic (PMID: 21186264, 23606453, 25891276). This variant has been reported in individuals affected with limb-girdle muscular dystrophy (LGMD) (PMID: 22742934, 26404900). This variant is present in population databases (rs749645231, ExAC 0.01%).

Literature cited by the submitters: PubMed 21186264 (cited by Labcorp Genetics (formerly Invitae), Labcorp); PubMed 23606453 (cited by Labcorp Genetics (formerly Invitae), Labcorp); PubMed 25891276 (cited by Labcorp Genetics (formerly Invitae), Labcorp); PubMed 22742934 (cited by Labcorp Genetics (formerly Invitae), Labcorp); PubMed 26404900 (cited by Labcorp Genetics (formerly Invitae), Labcorp).

NM_213599.3(ANO5):c.220C>T (p.Arg74Ter)

Gene: ANO5 (anoctamin 5; plus strand). Cytogenetic location: 11p14.3.
Variant type: single nucleotide variant.
Coding change: c.220C>T on transcript NM_213599.3 (MANE Select); coding-DNA position 220, C replaced by T.
Protein change: p.Arg74Ter; replaces arginine 74 with a stop codon.
Molecular consequence: nonsense.
Genome position (GRCh38, 1-based): chr11:22,221,136, C>T. VCF-style: chr11-22221136-C-T. GRCh37 (hg19) VCF-style: chr11-22242682-C-T.
Other names: c.217C>T, p.Arg73Ter (NM_001142649.2); short protein forms R74*, R73*.
Identifiers: ClinVar variation 536729 (VCV000536729.11), dbSNP rs749645231, ClinGen allele CA5922840.
Genomic context (GRCh38, chr11:22,221,136, plus strand): 5'-TGTCATTTATGTCTCCTGCAGTTTCAAAAAAATCAGCAAAGCAAAGATTCTATCTTCTTC[C>T]GAGATGGGATTAGGCAAATTGATTTTGTGCTTTCCTACGTTGATGATGTAAAGAAAGACG-3'